The following is an entry in ClinVar:

ClinVar aggregate classification (germline): Uncertain significance. Review status: criteria provided, multiple submitters, no conflicts (2 of 4 stars). 2 submissions from 2 submitters: Uncertain significance (2). Last evaluated 2025-08-13.

Conditions:
Inborn genetic diseases. Identifiers: MedGen C0950123, MeSH D030342.

Allele frequency attached by ClinVar (database versions not stated): TOPMed 0.00002.
gnomAD v4.1: 3 of 1,614,052 alleles (0.00019%); highest among the groups gnomAD compares: African/African-American, 0.0013%; no homozygotes.

Submissions (2):

Ambry Genetics
Classification: Uncertain significance for Inborn genetic diseases. Last evaluated: 2025-08-13. Review status: criteria provided, single submitter. Criteria: Ambry Variant Classification Scheme 2023. Collection method: clinical testing. Allele origin: germline.

Labcorp Genetics (formerly Invitae), Labcorp
Classification: Uncertain significance. Last evaluated: 2022-08-21. Review status: criteria provided, single submitter. Criteria: Invitae Variant Classification Sherloc (09022015). Collection method: clinical testing. Allele origin: germline.
Comment: This sequence change replaces valine, which is neutral and non-polar, with phenylalanine, which is neutral and non-polar, at codon 4085 of the VPS13D protein (p.Val4085Phe). This variant is not present in population databases (gnomAD no frequency). This variant has not been reported in the literature in individuals affected with VPS13D-related conditions. Algorithms developed to predict the effect of missense changes on protein structure and function are either unavailable or do not agree on the potential impact of this missense change (SIFT: "Not Available"; PolyPhen-2: "Probably Damaging"; Align-GVGD: "Not Available"). In summary, the available evidence is currently insufficient to determine the role of this variant in disease. Therefore, it has been classified as a Variant of Uncertain Significance.

NM_015378.4(VPS13D):c.12253G>T (p.Val4085Phe)

Gene: VPS13D (vacuolar protein sorting 13 homolog D; plus strand). Cytogenetic location: 1p36.22.
Variant type: single nucleotide variant.
Coding change: c.12253G>T on transcript NM_015378.4 (MANE Select); coding-DNA position 12253, G replaced by T.
Protein change: p.Val4085Phe; replaces valine 4085 with phenylalanine.
Molecular consequence: missense variant.
Genome position (GRCh38, 1-based): chr1:12,416,747, G>T. VCF-style: chr1-12416747-G-T. GRCh37 (hg19) VCF-style: chr1-12476800-G-T.
Other names: c.12253G>T (NM_015378.2); c.12178G>T, p.Val4060Phe (NM_018156.4); short protein forms V4085F, V4060F.
Identifiers: ClinVar variation 1911346 (VCV001911346.3), dbSNP rs762731759, ClinGen allele CA338489202.